The following is an entry in ClinVar:

ClinVar aggregate classification (germline): Uncertain significance. Review status: criteria provided, multiple submitters, no conflicts (2 of 4 stars). 2 submissions from 2 submitters: Uncertain significance (2). Last evaluated 2025-11-17.

Conditions:
Hereditary cancer-predisposing syndrome. Also called: Hereditary neoplastic syndrome; Neoplastic Syndromes, Hereditary; Hereditary Cancer Syndrome; Tumor predisposition. Identifiers: Orphanet 140162, MedGen C0027672, MeSH D009386, MONDO:0015356.
Neuroblastoma, susceptibility to, 3. Also called: ALK-Related Neuroblastic Tumor Susceptibility. Identifiers: Orphanet 635, MedGen C2751681, MONDO:0013083, OMIM 613014.

Submissions (2):

Ambry Genetics
Classification: Uncertain significance for Hereditary cancer-predisposing syndrome. Last evaluated: 2025-11-17. Review status: criteria provided, single submitter. Criteria: Ambry Variant Classification Scheme 2023. Collection method: clinical testing. Allele origin: germline.
Comment: The p.R1373K variant (also known as c.4118G>A), located in coding exon 28 of the ALK gene, results from a G to A substitution at nucleotide position 4118. The arginine at codon 1373 is replaced by lysine, an amino acid with highly similar properties. This amino acid position is conserved. In addition, this alteration is predicted to be deleterious by in silico analysis. Based on the available evidence, the clinical significance of this variant remains unclear.

Labcorp Genetics (formerly Invitae), Labcorp
Classification: Uncertain significance for Neuroblastoma, susceptibility to, 3. Last evaluated: 2018-03-09. Review status: criteria provided, single submitter. Criteria: Invitae Variant Classification Sherloc (09022015). Collection method: clinical testing. Allele origin: germline.
Comment: This sequence change replaces arginine with lysine at codon 1373 of the ALK protein (p.Arg1373Lys). The arginine residue is highly conserved and there is a small physicochemical difference between arginine and lysine. This variant is not present in population databases (ExAC no frequency). This variant has not been reported in the literature in individuals with ALK-related disease. Algorithms developed to predict the effect of missense changes on protein structure and function do not agree on the potential impact of this missense change (SIFT: "Deleterious"; PolyPhen-2: "Probably Damaging"; Align-GVGD: "Class C0"). In summary, the available evidence is currently insufficient to determine the role of this variant in disease. Therefore, it has been classified as a Variant of Uncertain Significance.

NM_004304.5(ALK):c.4118G>A (p.Arg1373Lys)

Gene: ALK (ALK receptor tyrosine kinase; minus strand). Cytogenetic location: 2p23.2.
Variant type: single nucleotide variant.
Coding change: c.4118G>A on transcript NM_004304.5 (MANE Select); coding-DNA position 4118, G replaced by A.
Protein change: p.Arg1373Lys; replaces arginine 1373 with lysine.
Molecular consequence: missense variant.
Genome position (GRCh38, 1-based): chr2:29,196,816, C>T on the plus strand (G>A on the coding strand, the complement: ALK is on the minus strand). VCF-style: chr2-29196816-C-T. GRCh37 (hg19) VCF-style: chr2-29419682-C-T.
Other names: c.914G>A, p.Arg305Lys (NM_001353765.2); short protein forms R1373K, R305K.
Identifiers: ClinVar variation 572692 (VCV000572692.9), dbSNP rs1558606110, ClinGen allele CA346465151.